The following is an entry in ClinVar:

NM_002225.5(IVD):c.785-2A>T

Gene: IVD (isovaleryl-CoA dehydrogenase; plus strand). Cytogenetic location: 15q15.1.
Variant type: single nucleotide variant.
Coding change: c.785-2A>T on transcript NM_002225.5 (MANE Select); the canonical splice acceptor site of the intron before coding-DNA position 785, A replaced by T.
Molecular consequence: splice acceptor variant.
Genome position (GRCh38, 1-based): chr15:40,414,887, A>T. VCF-style: chr15-40414887-A-T. GRCh37 (hg19) VCF-style: chr15-40707086-A-T.
Other names: c.872-2A>T (NM_001354600.3, NM_001354599.3); c.785-2A>T (NM_001354598.3, NM_001354601.3); c.737-2A>T (NM_001354597.3); c.695-2A>T (NM_001159508.3).
Identifiers: ClinVar variation 2986072 (VCV002986072.3), dbSNP rs2542737278, ClinGen allele CA391720254.

ClinVar aggregate classification (germline): Likely pathogenic (1 of 4 stars; one submission).

Conditions:
Isovaleryl-CoA dehydrogenase deficiency (IVA). Also called: Classic Isovaleric Acidemia; ISOVALERIC ACID CoA DEHYDROGENASE DEFICIENCY; Isovaleric acidemia; IVD DEFICIENCY. Identifiers: Orphanet 33, MedGen C0268575, MONDO:0009475, OMIM 243500.

Submission:

Labcorp Genetics (formerly Invitae), Labcorp
Classification: Likely pathogenic for Isovaleryl-CoA dehydrogenase deficiency. Last evaluated: 2023-11-02. Review status: criteria provided, single submitter. Criteria: Invitae Variant Classification Sherloc (09022015). Collection method: clinical testing. Allele origin: germline.
Comment: This sequence change affects an acceptor splice site in intron 7 of the IVD gene. It is expected to disrupt RNA splicing. Variants that disrupt the donor or acceptor splice site typically lead to a loss of protein function (PMID: 16199547), and loss-of-function variants in IVD are known to be pathogenic (PMID: 16602101). This variant is not present in population databases (gnomAD no frequency). This variant has not been reported in the literature in individuals affected with IVD-related conditions. Algorithms developed to predict the effect of sequence changes on RNA splicing suggest that this variant may disrupt the consensus splice site. In summary, the currently available evidence indicates that the variant is pathogenic, but additional data are needed to prove that conclusively. Therefore, this variant has been classified as Likely Pathogenic.

Literature cited by the submitters: PubMed 16199547; PubMed 16602101.